The following is an entry in ClinVar:

NM_020975.6(RET):c.214C>T (p.Leu72Phe)

Gene: RET (ret proto-oncogene; plus strand). Cytogenetic location: 10q11.21.
Variant type: single nucleotide variant.
Coding change: c.214C>T on transcript NM_020975.6 (MANE Select); coding-DNA position 214, C replaced by T.
Protein change: p.Leu72Phe; replaces leucine 72 with phenylalanine.
Molecular consequence: missense variant. On other transcripts: intron variant (4).
Genome position (GRCh38, 1-based): chr10:43,100,599, C>T. VCF-style: chr10-43100599-C-T. GRCh37 (hg19) VCF-style: chr10-43596047-C-T.
Other names: c.214C>T, p.Leu72Phe (NM_000323.2, NM_001406743.1, NM_001406744.1 and 34 more transcripts); c.74-8432C>T (NM_001406784.1); c.74-11500C>T (NM_001406794.1, NM_001406792.1, NM_001406793.1); short protein forms L72F.
Identifiers: ClinVar variation 2447531 (VCV002447531.3), dbSNP rs2492119407, ClinGen allele CA376770330.

ClinVar aggregate classification (germline): Uncertain significance (1 of 4 stars; one submission).

Conditions:
Hereditary cancer-predisposing syndrome. Also called: Neoplastic Syndromes, Hereditary; Hereditary Cancer Syndrome; Tumor predisposition; Hereditary neoplastic syndrome. Identifiers: Orphanet 140162, MedGen C0027672, MeSH D009386, MONDO:0015356.

Submission:

Ambry Genetics
Classification: Uncertain significance for Hereditary cancer-predisposing syndrome. Last evaluated: 2025-04-03. Review status: criteria provided, single submitter. Criteria: Ambry Variant Classification Scheme 2023. Collection method: clinical testing. Allele origin: germline.
Comment: The p.L72F variant (also known as c.214C>T), located in coding exon 2 of the RET gene, results from a C to T substitution at nucleotide position 214. The leucine at codon 72 is replaced by phenylalanine, an amino acid with highly similar properties. This amino acid position is highly conserved in available vertebrate species. In addition, this alteration is predicted to be tolerated by in silico analysis. Based on the available evidence, the clinical significance of this variant remains unclear.